The following is an entry in ClinVar:

NM_001042492.3(NF1):c.1330G>C (p.Gly444Arg)

Gene: NF1 (neurofibromin 1; plus strand). Cytogenetic location: 17q11.2.
Variant type: single nucleotide variant.
Coding change: c.1330G>C on transcript NM_001042492.3 (MANE Select); coding-DNA position 1330, G replaced by C.
Protein change: p.Gly444Arg; replaces glycine 444 with arginine.
Molecular consequence: missense variant.
Genome position (GRCh38, 1-based): chr17:31,206,309, G>C. VCF-style: chr17-31206309-G-C. GRCh37 (hg19) VCF-style: chr17-29533327-G-C.
Other names: c.1330G>C, p.Gly444Arg (NM_000267.4, NM_001128147.3); short protein forms G444R.
Identifiers: ClinVar variation 480083 (VCV000480083.14), dbSNP rs1162173842, ClinGen allele CA398999508.

ClinVar aggregate classification (germline): Uncertain significance. Review status: criteria provided, multiple submitters, no conflicts (2 of 4 stars). 4 submissions from 3 submitters: Uncertain significance (4). Last evaluated 2025-01-25.

Conditions:
Cardiovascular phenotype. Identifiers: MedGen CN230736.
Hereditary cancer-predisposing syndrome. Also called: Hereditary neoplastic syndrome; Neoplastic Syndromes, Hereditary; Tumor predisposition; Hereditary Cancer Syndrome. Identifiers: Orphanet 140162, MedGen C0027672, MeSH D009386, MONDO:0015356.
Neurofibromatosis, type 1 (NF1). Also called: VON RECKLINGHAUSEN DISEASE; Peripheral type neurofibromatosis; NEUROFIBROMATOSIS, TYPE I, SOMATIC; Neurofibromatosis, type I. Identifiers: Orphanet 636, MedGen C0027831, MONDO:0018975, OMIM 162200. Disease mechanism: loss of function.

Allele frequency attached by ClinVar (database versions not stated): gnomAD exomes below 0.00001.
gnomAD v4.1: 3 of 1,613,820 alleles (0.00019%); highest among the groups gnomAD compares: Non-Finnish European, 0.00025%; no homozygotes.

Submissions (4):

Ambry Genetics
Classification: Uncertain significance for Cardiovascular phenotype; Hereditary cancer-predisposing syndrome. Last evaluated: 2025-01-25. Review status: criteria provided, single submitter. Criteria: Ambry Variant Classification Scheme 2023. Collection method: clinical testing. Allele origin: germline.

Labcorp Genetics (formerly Invitae), Labcorp
Classification: Uncertain significance for Neurofibromatosis, type 1. Last evaluated: 2024-12-11. Review status: criteria provided, single submitter. Criteria: Invitae Variant Classification Sherloc (09022015). Collection method: clinical testing. Allele origin: germline.
Comment: This sequence change replaces glycine, which is neutral and non-polar, with arginine, which is basic and polar, at codon 444 of the NF1 protein (p.Gly444Arg). This variant is present in population databases (no rsID available, gnomAD 0.0009%). This variant has not been reported in the literature in individuals affected with NF1-related conditions. ClinVar contains an entry for this variant (Variation ID: 480083). Invitae Evidence Modeling of protein sequence and biophysical properties (such as structural, functional, and spatial information, amino acid conservation, physicochemical variation, residue mobility, and thermodynamic stability) indicates that this missense variant is not expected to disrupt NF1 protein function with a negative predictive value of 95%. In summary, the available evidence is currently insufficient to determine the role of this variant in disease. Therefore, it has been classified as a Variant of Uncertain Significance.

Genome-Nilou Lab
Classification: Uncertain significance for Neurofibromatosis, type 1. Last evaluated: 2022-03-15. Review status: criteria provided, single submitter. Criteria: ACMG Guidelines, 2015. Collection method: clinical testing. Allele origin: germline. Affected: no.

Ambry Genetics
Classification: Uncertain significance for Hereditary cancer-predisposing syndrome. Last evaluated: 2015-12-30. Review status: criteria provided, single submitter. Criteria: Ambry Autosomal Dominant and X-Linked criteria (10/2015). Collection method: clinical testing. Allele origin: germline. Observed: 1 variant allele.
Comment: The p.G444R variant (also known as c.1330G>C), located in coding exon 12 of the NF1 gene, results from a G to C substitution at nucleotide position 1330. The glycine at codon 444 is replaced by arginine, an amino acid with dissimilar properties. This variant was not reported in population based cohorts in the following databases: Database of Single Nucleotide Polymorphisms (dbSNP), NHLBI Exome Sequencing Project (ESP), and 1000 Genomes Project. In the ESP, this variant was not observed in 6503 samples (13006 alleles) with coverage at this position. To date, this alteration has been detected with an allele frequency of approximately 0.001% (greater than 110000alleles tested) in our clinical cohort.This amino acid position is not well conserved in available vertebrate species. In addition, the in silico prediction for this alteration is inconclusive.Since supporting evidence is limited at this time, the clinical significance of p.G444Rremains unclear.